The following is an entry in ClinVar:

NM_018896.5(CACNA1G):c.4759+4C>T

Gene: CACNA1G (calcium voltage-gated channel subunit alpha1 G; plus strand). Cytogenetic location: 17q21.33.
Variant type: single nucleotide variant.
Coding change: c.4759+4C>T on transcript NM_018896.5 (MANE Select); 4 bases into the intron after coding-DNA position 4759, C replaced by T.
Molecular consequence: intron variant.
Genome position (GRCh38, 1-based): chr17:50,609,939, C>T. VCF-style: chr17-50609939-C-T. GRCh37 (hg19) VCF-style: chr17-48687300-C-T.
Other names: c.4780+4C>T (NM_001256325.2); c.4726+1899C>T (NM_198377.3, NM_198380.3, NM_198378.3 and 1 more transcripts); c.4759+4C>T (NM_198385.3, NM_198384.3, NM_001256333.2 and 1 more transcripts); c.4705+1920C>T (NM_001256324.2, NM_198386.3, NM_001256328.2); c.4651+1899C>T (NM_001256360.2); c.4645+1899C>T (NM_001256361.2); c.4678+4C>T (NM_001256359.2); c.4624+1899C>T (NM_001256326.2, NM_001256330.2); and 6 more.
Identifiers: ClinVar variation 1940803 (VCV001940803.5), dbSNP rs755687596, ClinGen allele CA8653164.
Genomic context (GRCh38, chr17:50,609,939, plus strand): 5'-TAGATCTAATGCTGGACGATGTAATTGCTTCCGGCAGCTCAGCCAGCGCTGCGTCAGGTA[C>T]TGCGTCTGGGGTGTGGGCTCATGCGTGTGGGGACATGCTCTTCACTCCCTCCCCGTGGCT-3'

ClinVar aggregate classification (germline): Uncertain significance (1 of 4 stars; one submission).

gnomAD v4.1: 3 of 1,609,716 alleles (0.00019%); highest among the groups gnomAD compares: South Asian, 0.0033%; no homozygotes.

Submission:

Labcorp Genetics (formerly Invitae), Labcorp
Classification: Uncertain significance. Last evaluated: 2024-01-29. Review status: criteria provided, single submitter. Criteria: Invitae Variant Classification Sherloc (09022015). Collection method: clinical testing. Allele origin: germline.
Comment: This sequence change falls in intron 26 of the CACNA1G gene. It does not directly change the encoded amino acid sequence of the CACNA1G protein. It affects a nucleotide within the consensus splice site. The frequency data for this variant in the population databases is considered unreliable, as metrics indicate poor data quality at this position in the gnomAD database. This variant has not been reported in the literature in individuals affected with CACNA1G-related conditions. ClinVar contains an entry for this variant (Variation ID: 1940803). Variants that disrupt the consensus splice site are a relatively common cause of aberrant splicing (PMID: 17576681, 9536098). Algorithms developed to predict the effect of sequence changes on RNA splicing suggest that this variant is not likely to affect RNA splicing. In summary, the available evidence is currently insufficient to determine the role of this variant in disease. Therefore, it has been classified as a Variant of Uncertain Significance.

Literature cited by the submitters: PubMed 17576681; PubMed 9536098.